The following is an entry in ClinVar:

NM_177438.3(DICER1):c.2282A>G (p.Tyr761Cys)

Gene: DICER1 (dicer 1, ribonuclease III; minus strand). Cytogenetic location: 14q32.13.
Variant type: single nucleotide variant.
Coding change: c.2282A>G on transcript NM_177438.3 (MANE Select); coding-DNA position 2282, A replaced by G.
Protein change: p.Tyr761Cys; replaces tyrosine 761 with cysteine.
Molecular consequence: missense variant. On other transcripts: non-coding transcript variant (6).
Genome position (GRCh38, 1-based): chr14:95,108,478, T>C on the plus strand (A>G on the coding strand, the complement: DICER1 is on the minus strand). VCF-style: chr14-95108478-T-C. GRCh37 (hg19) VCF-style: chr14-95574815-T-C.
Other names: c.2282A>G, p.Tyr761Cys (NM_001195573.1, NM_001271282.3, NM_001291628.2 and 13 more transcripts); c.2000A>G, p.Tyr667Cys (NM_001395686.1); c.1877A>G, p.Tyr626Cys (NM_001395687.1, NM_001395688.1, NM_001395689.1 and 2 more transcripts); c.1715A>G, p.Tyr572Cys (NM_001395691.1); c.599A>G, p.Tyr200Cys (NM_001395697.1); short protein forms Y200C, Y572C, Y626C, Y667C, Y761C.
Identifiers: ClinVar variation 3229333 (VCV003229333.1), dbSNP rs2542857332, ClinGen allele CA390882384.
Genomic context (GRCh38, chr14:95,108,478, plus strand): 5'-AAAGGTGTAGTTAAAACCATTCCTATCACATACAGGTAACAGGGCTGATCAGGTCTGGGA[T>C]AACTATCCCTCAAACACTCTGGAATCTAGAGTTGGAAAGGAAAATTAAGCGTCATGCTCA-3'
Protein context (NP_803187.1, residues 751-771): KAIPECLRDS[Tyr761Cys]PRPDQPCYLY

ClinVar aggregate classification (germline): Uncertain significance (1 of 4 stars; one submission).

Conditions:
Hereditary cancer-predisposing syndrome. Also called: Neoplastic Syndromes, Hereditary; Tumor predisposition; Hereditary neoplastic syndrome; Hereditary Cancer Syndrome. Identifiers: Orphanet 140162, MedGen C0027672, MeSH D009386, MONDO:0015356.

Submission:

Ambry Genetics
Classification: Uncertain significance for Hereditary cancer-predisposing syndrome. Last evaluated: 2023-11-15. Review status: criteria provided, single submitter. Criteria: Ambry Variant Classification Scheme 2023. Collection method: clinical testing. Allele origin: germline.
Comment: The p.Y761C variant (also known as c.2282A>G), located in coding exon 14 of the DICER1 gene, results from an A to G substitution at nucleotide position 2282. The tyrosine at codon 761 is replaced by cysteine, an amino acid with highly dissimilar properties. This amino acid position is conserved. In addition, the in silico prediction for this alteration is inconclusive. Since supporting evidence is limited at this time, the clinical significance of this alteration remains unclear.